The following is an entry in ClinVar:

NM_000343.4(SLC5A1):c.1667T>C (p.Leu556Pro)

Gene: SLC5A1 (solute carrier family 5 member 1; plus strand). Cytogenetic location: 22q12.3.
Variant type: single nucleotide variant.
Coding change: c.1667T>C on transcript NM_000343.4 (MANE Select); coding-DNA position 1667, T replaced by C.
Protein change: p.Leu556Pro; replaces leucine 556 with proline.
Molecular consequence: missense variant.
Genome position (GRCh38, 1-based): chr22:32,104,787, T>C. VCF-style: chr22-32104787-T-C. GRCh37 (hg19) VCF-style: chr22-32500774-T-C.
Other names: c.1286T>C, p.Leu429Pro (NM_001256314.2); short protein forms L429P, L556P.
Identifiers: ClinVar variation 4086677 (VCV004086677.1).

ClinVar aggregate classification (germline): Uncertain significance (1 of 4 stars; one submission).

gnomAD v4.1: 6 of 1,613,636 alleles (0.00037%); highest among the groups gnomAD compares: Admixed American, 0.0017%; no homozygotes.

Submission:

GeneDx
Classification: Uncertain significance. Last evaluated: 2025-03-21. Review status: criteria provided, single submitter. Criteria: GeneDx Variant Classification Process June 2021. Collection method: clinical testing. Allele origin: germline. Affected: yes.
Comment: Not observed at significant frequency in large population cohorts (gnomAD); In silico analysis supports that this missense variant has a deleterious effect on protein structure/function; This variant is associated with the following publications: (PMID: 38440183)